The following is an entry in ClinVar:

ClinVar aggregate classification (germline): Conflicting classifications of pathogenicity. Review status: criteria provided, conflicting classifications (1 of 4 stars). 3 submissions from 3 submitters: Uncertain significance (2); Likely benign (1). Last evaluated 2024-03-06.

Conditions:
Hereditary cancer-predisposing syndrome. Also called: Neoplastic Syndromes, Hereditary; Tumor predisposition; Hereditary Cancer Syndrome; Hereditary neoplastic syndrome. Identifiers: Orphanet 140162, MedGen C0027672, MeSH D009386, MONDO:0015356.
Familial cancer of breast. Also called: BREAST CANCER, FAMILIAL; Hereditary breast cancer; hereditary breast carcinoma. Identifiers: Orphanet 227535, MedGen C0346153, MONDO:0016419, OMIM 114480. Disease mechanism: loss of function.

gnomAD v4.1: 1 of 1,614,206 alleles (0.000062%); highest among the groups gnomAD compares: Non-Finnish European, 0.000085%; no homozygotes.

Submissions (3):

Color Diagnostics, LLC DBA Color Health
Classification: Uncertain significance for Hereditary cancer-predisposing syndrome. Last evaluated: 2024-03-06. Review status: criteria provided, single submitter. Criteria: ACMG Guidelines, 2015. Collection method: clinical testing. Allele origin: germline.
Comment: This missense variant replaces histidine with arginine at codon 587 of the BRIP1 protein. Computational prediction tool suggests that this variant may not impact protein structure and function (internally defined REVEL score threshold <=0.5, PMID: 27666373). Splice site prediction tools suggest that this variant may not impact RNA splicing. To our knowledge, functional studies have not been performed for this variant. This variant has not been reported in individuals affected with hereditary cancer in the literature. This variant has not been identified in the general population by the Genome Aggregation Database (gnomAD). The available evidence is insufficient to determine the role of this variant in disease conclusively. Therefore, this variant is classified as a Variant of Uncertain Significance.

Baylor Genetics
Classification: Uncertain significance for Familial cancer of breast. Last evaluated: 2024-01-11. Review status: criteria provided, single submitter. Criteria: ACMG Guidelines, 2015. Collection method: clinical testing. Allele origin: unknown.

Ambry Genetics
Classification: Likely benign for Hereditary cancer-predisposing syndrome. Last evaluated: 2021-01-04. Review status: criteria provided, single submitter. Criteria: Ambry Variant Classification Scheme 2023. Collection method: clinical testing. Allele origin: germline.

NM_032043.3(BRIP1):c.1760A>G (p.His587Arg)

Gene: BRIP1 (BRCA1 interacting DNA helicase 1; minus strand). Cytogenetic location: 17q23.2.
Variant type: single nucleotide variant.
Coding change: c.1760A>G on transcript NM_032043.3 (MANE Select); coding-DNA position 1760, A replaced by G.
Protein change: p.His587Arg; replaces histidine 587 with arginine.
Molecular consequence: missense variant.
Genome position (GRCh38, 1-based): chr17:61,780,874, T>C on the plus strand (A>G on the coding strand, the complement: BRIP1 is on the minus strand). VCF-style: chr17-61780874-T-C. GRCh37 (hg19) VCF-style: chr17-59858235-T-C.
Other names: short protein forms H587R.
Identifiers: ClinVar variation 925546 (VCV000925546.7), dbSNP rs876660646, ClinGen allele CA400480314.